The following is an entry in ClinVar:

NM_005751.5(AKAP9):c.5977+2dup

Gene: AKAP9 (A-kinase anchoring protein 9; plus strand). Cytogenetic location: 7q21.2.
Variant type: Duplication.
Coding change: c.5977+2dup on transcript NM_005751.5 (MANE Select); the canonical splice donor site of the intron after coding-DNA position 5977, one base duplicated (T; older notation c.5977+2dupT).
Molecular consequence: splice donor variant.
Genome position (GRCh38, 1-based): chr7:92,062,488, T duplicated. VCF-style (leftmost placement, unchanged base first): chr7-92062487-G-GT. GRCh37 (hg19) VCF-style: chr7-91691801-G-GT.
Other names: c.5977+2dup (NM_147185.3); c.622+2dup (NM_001379277.1); c.5977+2dupT (NM_005751.4).
Identifiers: ClinVar variation 4740495 (VCV004740495.2).

ClinVar aggregate classification (germline): Uncertain significance. Review status: criteria provided, multiple submitters, no conflicts (2 of 4 stars). 2 submissions from 2 submitters: Uncertain significance (2). Last evaluated 2026-07-29.

Conditions:
Cardiovascular phenotype. Identifiers: MedGen CN230736.
Long QT syndrome (LQTS). Identifiers: MedGen C0023976, MeSH D008133, MONDO:0002442. Disease mechanism: loss of function. Inheritance: Various modes of inheritance.

Submissions (2):

Ambry Genetics
Classification: Uncertain significance for Cardiovascular phenotype. Last evaluated: 2026-07-29. Review status: criteria provided, single submitter. Criteria: Ambry Variant Classification Scheme 2023. Collection method: clinical testing. Allele origin: germline.
Comment: The c.5977+2dupT intronic variant is located 2 nucleotides after coding exon 24 of the AKAP9 gene. This variant results from a duplication of one nucleotide at position c.5977+2. This nucleotide position is highly conserved in available vertebrate species. In silico splice site analysis for this alteration is inconclusive. The evidence for this gene-disease relationship is limited; therefore, the clinical significance of this variant is unclear.

Labcorp Genetics (formerly Invitae), Labcorp
Classification: Uncertain significance for Long QT syndrome. Last evaluated: 2025-09-20. Review status: criteria provided, single submitter. Criteria: Invitae Variant Classification Sherloc (09022015). Collection method: clinical testing. Allele origin: germline.
Comment: This sequence change falls in intron 24 of the AKAP9 gene. It does not directly change the encoded amino acid sequence of the AKAP9 protein. It affects a nucleotide within the consensus splice site. This variant is not present in population databases (gnomAD no frequency). This variant has not been reported in the literature in individuals affected with AKAP9-related conditions. Variants that disrupt the consensus splice site are a relatively common cause of aberrant splicing (PMID: 17576681, 9536098). Algorithms developed to predict the effect of sequence changes on RNA splicing suggest that this variant may disrupt the consensus splice site. In summary, the available evidence is currently insufficient to determine the role of this variant in disease. Therefore, it has been classified as a Variant of Uncertain Significance.

Literature cited by the submitters: PubMed 17576681 (cited by Labcorp Genetics (formerly Invitae), Labcorp); PubMed 9536098 (cited by Labcorp Genetics (formerly Invitae), Labcorp).